The following is an entry in ClinVar:

NM_001042492.3(NF1):c.325del (p.Leu109fs)

Gene: NF1 (neurofibromin 1; plus strand). Cytogenetic location: 17q11.2.
Variant type: Deletion.
Coding change: c.325del on transcript NM_001042492.3 (MANE Select); coding-DNA position 325, one base deleted (C; older notation c.325delC).
Protein change: p.Leu109fs; shifts the reading frame from leucine 109.
Molecular consequence: frameshift variant.
Genome position (GRCh38, 1-based): chr17:31,163,222, C deleted. VCF-style (leftmost placement, unchanged base first): chr17-31163221-GC-G. GRCh37 (hg19) VCF-style: chr17-29490239-GC-G.
Other names: c.325delC (NM_000267.3); c.325delC, p.Leu109Trpfs (NM_000267.4); c.325del, p.Leu109fs (NM_001128147.3); short protein forms L109fs.
Identifiers: ClinVar variation 3237718 (VCV003237718.1), dbSNP rs2544700366.

ClinVar aggregate classification (germline): Pathogenic (1 of 4 stars; one submission).

Conditions:
Hereditary cancer-predisposing syndrome. Also called: Neoplastic Syndromes, Hereditary; Tumor predisposition; Hereditary neoplastic syndrome; Hereditary Cancer Syndrome. Identifiers: Orphanet 140162, MedGen C0027672, MeSH D009386, MONDO:0015356.
Cardiovascular phenotype. Identifiers: MedGen CN230736.

Submission:

Ambry Genetics
Classification: Pathogenic for Cardiovascular phenotype; Hereditary cancer-predisposing syndrome. Last evaluated: 2024-03-06. Review status: criteria provided, single submitter. Criteria: Ambry Variant Classification Scheme 2023. Collection method: clinical testing. Allele origin: germline.
Comment: The c.325delC pathogenic mutation, located in coding exon 4 of the NF1 gene, results from a deletion of one nucleotide at nucleotide position 325, causing a translational frameshift with a predicted alternate stop codon (p.L109Wfs*56). This alteration is expected to result in loss of function by premature protein truncation or nonsense-mediated mRNA decay. As such, this alteration is interpreted as a disease-causing mutation.